The following is an entry in ClinVar:

ClinVar aggregate classification (germline): Benign/Likely benign. Review status: criteria provided, multiple submitters, no conflicts (2 of 4 stars). 3 submissions from 3 submitters: Benign (2); Likely benign (1). Last evaluated 2026-01-08.

Conditions:
Retinal cone dystrophy 4 (RCD4). Identifiers: Orphanet 1872, MedGen C1864849, MONDO:0012507, OMIM 610478.

Allele frequency attached by ClinVar (database versions not stated): ESP Exome Variant Server 0.00332; gnomAD 0.00364 and 0.00397; 1000 Genomes Project 30x 0.00390; 1000 Genomes Project 0.00399; TOPMed 0.00412.
gnomAD v4.1: 1,061 of 1,607,552 alleles (0.066%); highest among the groups gnomAD compares: African/African-American, 1.3%; 5 homozygotes.

Submissions (3):

Labcorp Genetics (formerly Invitae), Labcorp
Classification: Benign. Last evaluated: 2026-01-08. Review status: criteria provided, single submitter. Criteria: Invitae Variant Classification Sherloc (09022015). Collection method: clinical testing. Allele origin: germline.

Blueprint Genetics
Classification: Likely benign. Last evaluated: 2024-11-13. Review status: criteria provided, single submitter. Criteria: ACMG Guidelines, 2015. Collection method: clinical testing. Allele origin: germline.

Illumina Laboratory Services, Illumina
Classification: Benign for Retinal cone dystrophy 4. Last evaluated: 2018-01-13. Review status: criteria provided, single submitter. Criteria: ICSL Variant Classification Criteria 13 December 2019. Collection method: clinical testing. Allele origin: germline.
Comment: This variant was observed in the ICSL laboratory as part of a predisposition screen in an ostensibly healthy population. It had not been previously curated by ICSL or reported in the Human Gene Mutation Database (HGMD: prior to June 1st, 2018), and was therefore a candidate for classification through an automated scoring system. Utilizing variant allele frequency, disease prevalence and penetrance estimates, and inheritance mode, an automated score was calculated to assess if this variant is too frequent to cause the disease. Based on the score and internal cut-off values, a variant classified as benign is not then subjected to further curation. The score for this variant resulted in a classification of benign for this disease.

NM_172364.5(CACNA2D4):c.1940+15C>T

Gene: CACNA2D4 (calcium voltage-gated channel auxiliary subunit alpha2delta 4; minus strand). Cytogenetic location: 12p13.33.
Variant type: single nucleotide variant.
Coding change: c.1940+15C>T on transcript NM_172364.5 (MANE Select); 15 bases into the intron after coding-DNA position 1940, C replaced by T.
Molecular consequence: intron variant.
Genome position (GRCh38, 1-based): chr12:1,860,130, G>A on the plus strand (C>T on the coding strand, the complement: CACNA2D4 is on the minus strand). VCF-style: chr12-1860130-G-A. GRCh37 (hg19) VCF-style: chr12-1969296-G-A.
Identifiers: ClinVar variation 882843 (VCV000882843.12), dbSNP rs114870926, ClinGen allele CA6386933.